The following is an entry in ClinVar:

NM_004713.6(NEMF):c.358-7A>G

Gene: NEMF (nuclear export mediator factor; minus strand). Cytogenetic location: 14q21.3.
Variant type: single nucleotide variant.
Coding change: c.358-7A>G on transcript NM_004713.6 (MANE Select); 7 bases into the intron before coding-DNA position 358, A replaced by G.
Molecular consequence: intron variant.
Genome position (GRCh38, 1-based): chr14:49,840,873, T>C on the plus strand (A>G on the coding strand, the complement: NEMF is on the minus strand). VCF-style: chr14-49840873-T-C. GRCh37 (hg19) VCF-style: chr14-50307591-T-C.
Other names: c.358-7A>G (NM_001301732.3).
Identifiers: ClinVar variation 3042202 (VCV003042202.2), dbSNP rs114534748, ClinGen allele CA7175666.

ClinVar aggregate classification (germline): Benign (0 of 4 stars; one submission).

Conditions:
NEMF-related disorder. Also called: NEMF-related condition.

Allele frequency attached by ClinVar (database versions not stated): gnomAD exomes 0.00146; ExAC 0.00494; 1000 Genomes Project 0.01258; 1000 Genomes Project 30x 0.01546; gnomAD 0.01582; ESP Exome Variant Server 0.01692; TOPMed 0.01750.
gnomAD v4.1: 4,624 of 1,604,608 alleles (0.29%); highest among the groups gnomAD compares: African/African-American, 5.4%; 106 homozygotes.

Submission:

PreventionGenetics, part of Exact Sciences
Classification: Benign for NEMF-related condition. Last evaluated: 2019-05-31. Review status: no assertion criteria provided. Collection method: clinical testing. Allele origin: germline.
Comment: This variant is classified as benign based on ACMG/AMP sequence variant interpretation guidelines (Richards et al. 2015 PMID: 25741868, with internal and published modifications).